The following is an entry in ClinVar:

ClinVar aggregate classification (germline): Uncertain significance (1 of 4 stars; one submission).

Submission:

Labcorp Genetics (formerly Invitae), Labcorp
Classification: Uncertain significance. Last evaluated: 2025-04-16. Review status: criteria provided, single submitter. Criteria: Invitae Variant Classification Sherloc (09022015). Collection method: clinical testing. Allele origin: germline.
Comment: This sequence change replaces glycine, which is neutral and non-polar, with glutamic acid, which is acidic and polar, at codon 844 of the ADGRA3 protein (p.Gly844Glu). This variant is not present in population databases (gnomAD no frequency). This variant has not been reported in the literature in individuals affected with ADGRA3-related conditions. ClinVar contains an entry for this variant (Variation ID: 2702613). An algorithm developed to predict the effect of missense changes on protein structure and function (PolyPhen-2) suggests that this variant is likely to be disruptive. In summary, the available evidence is currently insufficient to determine the role of this variant in disease. Therefore, it has been classified as a Variant of Uncertain Significance.

NM_145290.4(ADGRA3):c.2531G>A (p.Gly844Glu)

Gene: ADGRA3 (adhesion G protein-coupled receptor A3; minus strand). Cytogenetic location: 4p15.2.
Variant type: single nucleotide variant.
Coding change: c.2531G>A on transcript NM_145290.4 (MANE Select); coding-DNA position 2531, G replaced by A.
Protein change: p.Gly844Glu; replaces glycine 844 with glutamic acid.
Molecular consequence: missense variant.
Genome position (GRCh38, 1-based): chr4:22,392,641, C>T on the plus strand (G>A on the coding strand, the complement: ADGRA3 is on the minus strand). VCF-style: chr4-22392641-C-T. GRCh37 (hg19) VCF-style: chr4-22394264-C-T.
Other names: short protein forms G844E.
Identifiers: ClinVar variation 2702613 (VCV002702613.3), dbSNP rs2474695290, ClinGen allele CA356476166.